The following is an entry in ClinVar:

NM_139276.3(STAT3):c.551-44A>C

Gene: STAT3 (signal transducer and activator of transcription 3; minus strand). Cytogenetic location: 17q21.2.
Variant type: single nucleotide variant.
Coding change: c.551-44A>C on transcript NM_139276.3 (MANE Select); 44 bases into the intron before coding-DNA position 551, A replaced by C.
Molecular consequence: intron variant.
Genome position (GRCh38, 1-based): chr17:42,337,901, T>G on the plus strand (A>C on the coding strand, the complement: STAT3 is on the minus strand). VCF-style: chr17-42337901-T-G. GRCh37 (hg19) VCF-style: chr17-40489919-T-G.
Other names: c.455-44A>C (NM_001384989.1); c.551-44A>C (NM_001384992.1, NM_001384984.1, NM_001369519.1 and 15 more transcripts); c.473-44A>C (NM_001384985.1).
Identifiers: ClinVar variation 677244 (VCV000677244.2), dbSNP rs73313660, ClinGen allele CA8575614.
Genomic context (GRCh38, chr17:42,337,901, plus strand): 5'-ATTCAGATCTTGCATGTCTGCGAAGGAAGAAAAAACTCCTTGACCTGAGGGAATACTCCT[T>G]GACCTGAGGGAATACTCCTTGACCTGAGGGAATACTCCTGGACCTGAGGGAATACTCCTG-3'

ClinVar aggregate classification (germline): Benign. Review status: criteria provided, multiple submitters, no conflicts (2 of 4 stars). 2 submissions from 2 submitters: Benign (2). Last evaluated 2018-06-16.

Allele frequency attached by ClinVar (database versions not stated): gnomAD exomes 0.00082 and 0.00595; gnomAD 0.00779 and 0.00845; ExAC 0.02116; ESP Exome Variant Server 0.08483; 1000 Genomes Project 0.09105.
gnomAD v4.1: 2,144 of 1,465,224 alleles (0.15%); highest among the groups gnomAD compares: African/African-American, 3.7%; 70 homozygotes.

Submissions (2):

GeneDx
Classification: Benign. Last evaluated: 2018-06-16. Review status: criteria provided, single submitter. Criteria: GeneDx Variant Classification (06012015). Collection method: clinical testing. Allele origin: germline. Affected: yes.
Comment: This variant is considered likely benign or benign based on one or more of the following criteria: it is a conservative change, it occurs at a poorly conserved position in the protein, it is predicted to be benign by multiple in silico algorithms, and/or has population frequency not consistent with disease.

Breakthrough Genomics
Classification: Benign. Review status: criteria provided, single submitter. Criteria: ACMG Guidelines, 2015. Collection method: not provided. Allele origin: germline. Inheritance: Autosomal dominant inheritance. Affected: yes.